The following is an entry in ClinVar:

NM_006005.3(WFS1):c.2456A>C (p.Gln819Pro)

Gene: WFS1 (wolframin ER transmembrane glycoprotein; plus strand). Cytogenetic location: 4p16.1.
Variant type: single nucleotide variant.
Coding change: c.2456A>C on transcript NM_006005.3 (MANE Select); coding-DNA position 2456, A replaced by C.
Protein change: p.Gln819Pro; replaces glutamine 819 with proline.
Molecular consequence: missense variant.
Genome position (GRCh38, 1-based): chr4:6,302,251, A>C. VCF-style: chr4-6302251-A-C. GRCh37 (hg19) VCF-style: chr4-6303978-A-C.
Other names: c.2456A>C, p.Gln819Pro (NM_001145853.1); short protein forms Q819P.
Identifiers: ClinVar variation 1380084 (VCV001380084.9), dbSNP rs1321291819, ClinGen allele CA356178614.

ClinVar aggregate classification (germline): Uncertain significance. Review status: criteria provided, multiple submitters, no conflicts (2 of 4 stars). 2 submissions from 2 submitters: Uncertain significance (2). Last evaluated 2026-05-22.

gnomAD v4.1: 7 of 1,604,796 alleles (0.00044%); highest among the groups gnomAD compares: South Asian, 0.0022%; no homozygotes.

Submissions (2):

GeneDx
Classification: Uncertain significance. Last evaluated: 2026-05-22. Review status: criteria provided, single submitter. Criteria: GeneDx Variant Classification Process June 2021. Collection method: clinical testing. Allele origin: germline.
Comment: Observed in the heterozygous state in a mother and daughter with optic atrophy and sensorineural hearing loss (PMID: 42001184); Not observed at significant frequency in large population cohorts (gnomAD); In silico analysis suggests that this missense variant does not alter protein structure/function; This variant is associated with the following publications: (PMID: 42001184)

Labcorp Genetics (formerly Invitae), Labcorp
Classification: Uncertain significance. Last evaluated: 2025-01-07. Review status: criteria provided, single submitter. Criteria: Invitae Variant Classification Sherloc (09022015). Collection method: clinical testing. Allele origin: germline.
Comment: This sequence change replaces glutamine, which is neutral and polar, with proline, which is neutral and non-polar, at codon 819 of the WFS1 protein (p.Gln819Pro). This variant is present in population databases (no rsID available, gnomAD 0.007%). This variant has not been reported in the literature in individuals affected with WFS1-related conditions. ClinVar contains an entry for this variant (Variation ID: 1380084). Invitae Evidence Modeling of protein sequence and biophysical properties (such as structural, functional, and spatial information, amino acid conservation, physicochemical variation, residue mobility, and thermodynamic stability) indicates that this missense variant is not expected to disrupt WFS1 protein function with a negative predictive value of 95%. In summary, the available evidence is currently insufficient to determine the role of this variant in disease. Therefore, it has been classified as a Variant of Uncertain Significance.